The following is an entry in ClinVar:

ClinVar aggregate classification (germline): Uncertain significance (1 of 4 stars; one submission).

Conditions:
Inborn genetic diseases. Identifiers: MedGen C0950123, MeSH D030342.

gnomAD v4.1: 2 of 1,612,162 alleles (0.00012%); highest among the groups gnomAD compares: East Asian, 0.0022%; no homozygotes.

Submission:

Ambry Genetics
Classification: Uncertain significance for Inborn genetic diseases. Last evaluated: 2026-04-04. Review status: criteria provided, single submitter. Criteria: Ambry Variant Classification Scheme 2023. Collection method: clinical testing. Allele origin: germline.
Comment: The p.D1003N variant (also known as c.3007G>A), located in coding exon 30 of the RTEL1 gene, results from a G to A substitution at nucleotide position 3007. The aspartic acid at codon 1003 is replaced by asparagine, an amino acid with highly similar properties. This amino acid position is conserved. In addition, this alteration is predicted to be tolerated by in silico analysis. Based on the available evidence, the clinical significance of this variant remains unclear.

NM_001283009.2(RTEL1):c.3007G>A (p.Asp1003Asn)

Genes: RTEL1 (regulator of telomere elongation helicase 1; plus strand), RTEL1-TNFRSF6B (RTEL1-TNFRSF6B readthrough (NMD candidate); plus strand). Cytogenetic location: 20q13.33.
Variant type: single nucleotide variant.
Coding change: c.3007G>A on transcript NM_001283009.2 (MANE Select); coding-DNA position 3007, G replaced by A.
Protein change: p.Asp1003Asn; replaces aspartic acid 1003 with asparagine.
Molecular consequence: missense variant. On other transcripts: non-coding transcript variant (1).
Genome position (GRCh38, 1-based): chr20:63,694,386, G>A. VCF-style: chr20-63694386-G-A. GRCh37 (hg19) VCF-style: chr20-62325739-G-A.
Other names: c.2338G>A, p.Asp780Asn (NM_001283010.1); c.3007G>A, p.Asp1003Asn (NM_016434.4); c.3079G>A, p.Asp1027Asn (NM_032957.5); short protein forms D1003N, D1027N, D780N.
Identifiers: ClinVar variation 4863537 (VCV004863537.1).